The following is an entry in ClinVar:

NM_001183.6(ATP6AP1):c.515G>C (p.Ser172Thr)

Gene: ATP6AP1 (ATPase H+ transporting accessory protein 1; plus strand). Cytogenetic location: Xq28.
Variant type: single nucleotide variant.
Coding change: c.515G>C on transcript NM_001183.6 (MANE Select); coding-DNA position 515, G replaced by C.
Protein change: p.Ser172Thr; replaces serine 172 with threonine.
Molecular consequence: missense variant.
Genome position (GRCh38, 1-based): chrX:154,432,417, G>C. VCF-style: chrX-154432417-G-C. GRCh37 (hg19) VCF-style: chrX-153660763-G-C.
Other names: short protein forms S172T.
Identifiers: ClinVar variation 2439383 (VCV002439383.10), dbSNP rs1557196970, ClinGen allele CA415189912.
Genomic context (GRCh38, chrX:154,432,417, plus strand): 5'-TCGGGGCCAGCCCCTTGCATGTGGACCTGGCCACCCTGCGGGAGCTGAAGCTCAATGCCA[G>C]CCTCCCTGCTCTGCTGCTCATTCGCCTGCCCTACACAGCCAGGTACTGCCCGCATGGCCC-3'
Protein context (NP_001174.2, residues 162-182): ATLRELKLNA[Ser172Thr]LPALLLIRLP

ClinVar aggregate classification (germline): Uncertain significance. Review status: criteria provided, multiple submitters, no conflicts (2 of 4 stars). 2 submissions from 2 submitters: Uncertain significance (2). Last evaluated 2025-04-01.

Conditions:
Immunodeficiency 47 (IMD47). Also called: IMMUNODEFICIENCY AND HEPATOPATHY WITH OR WITHOUT NEUROLOGIC FEATURES. Identifiers: Orphanet 692790, MedGen C4310819, MONDO:0010504, OMIM 300972.

Allele frequency attached by ClinVar (database versions not stated): gnomAD exomes below 0.00001.
gnomAD v4.1: 1 of 1,202,666 alleles (0.000083%); highest among the groups gnomAD compares: Non-Finnish European, 0.00011%; no homozygotes.

Submissions (2):

CeGaT Center for Human Genetics Tuebingen
Classification: Uncertain significance. Last evaluated: 2025-04-01. Review status: criteria provided, single submitter. Criteria: CeGaT Center For Human Genetics Tuebingen Variant Classification Criteria Version 2. Collection method: clinical testing. Allele origin: germline. Affected: yes. Observed: 1 variant allele.
Comment: ATP6AP1: PM2

Revvity Omics, Revvity
Classification: Uncertain significance for Immunodeficiency 47. Last evaluated: 2021-08-11. Review status: criteria provided, single submitter. Criteria: ACMG Guidelines, 2015. Collection method: clinical testing. Allele origin: germline.